The following is an entry in ClinVar:

ClinVar aggregate classification (germline): Likely benign (0 of 4 stars; one submission).

Conditions:
SEMA3G-related disorder. Also called: SEMA3G-related condition.

gnomAD v4.1: 10 of 1,607,668 alleles (0.00062%); highest among the groups gnomAD compares: Admixed American, 0.0068%; no homozygotes.

Submission:

PreventionGenetics, part of Exact Sciences
Classification: Likely benign for SEMA3G-related condition. Last evaluated: 2023-12-18. Review status: no assertion criteria provided. Collection method: clinical testing. Allele origin: germline.
Comment: This variant is classified as likely benign based on ACMG/AMP sequence variant interpretation guidelines (Richards et al. 2015 PMID: 25741868, with internal and published modifications).

NM_020163.3(SEMA3G):c.1002C>T (p.Ala334=)

Gene: SEMA3G (semaphorin 3G; minus strand). Cytogenetic location: 3p21.1.
Variant type: single nucleotide variant.
Coding change: c.1002C>T on transcript NM_020163.3 (MANE Select); coding-DNA position 1002, C replaced by T.
Protein change: p.Ala334=; no amino-acid change (alanine 334 retained).
Molecular consequence: synonymous variant.
Genome position (GRCh38, 1-based): chr3:52,440,518, G>A on the plus strand (C>T on the coding strand, the complement: SEMA3G is on the minus strand). VCF-style: chr3-52440518-G-A. GRCh37 (hg19) VCF-style: chr3-52474534-G-A.
Identifiers: ClinVar variation 3357625 (VCV003357625.1).